The following is an entry in ClinVar:

NM_182914.3(SYNE2):c.3639-12C>T

Gene: SYNE2 (spectrin repeat containing nuclear envelope protein 2; plus strand). Cytogenetic location: 14q23.2.
Variant type: single nucleotide variant.
Coding change: c.3639-12C>T on transcript NM_182914.3 (MANE Select); 12 bases into the intron before coding-DNA position 3639, C replaced by T.
Molecular consequence: intron variant.
Genome position (GRCh38, 1-based): chr14:64,001,922, C>T. VCF-style: chr14-64001922-C-T. GRCh37 (hg19) VCF-style: chr14-64468640-C-T.
Other names: c.3639-12C>T (NM_015180.6).
Identifiers: ClinVar variation 313502 (VCV000313502.7), dbSNP rs750618626, ClinGen allele CA7220028.

ClinVar aggregate classification (germline): Likely benign. Review status: criteria provided, multiple submitters, no conflicts (2 of 4 stars). 2 submissions from 2 submitters: Likely benign (2). Last evaluated 2024-12-24.

Conditions:
Emery-Dreifuss muscular dystrophy 5, autosomal dominant (EDMD5). Also called: EMERY-DREIFUSS MUSCULAR DYSTROPHY 5. Identifiers: Orphanet 261, MedGen C2751805, MONDO:0013072, OMIM 612999.

Allele frequency attached by ClinVar (database versions not stated): gnomAD exomes 0.00001 and 0.00004; TOPMed 0.00002; ExAC 0.00004.
gnomAD v4.1: 10 of 1,614,068 alleles (0.00062%); highest among the groups gnomAD compares: East Asian, 0.016%; no homozygotes.

Submissions (2):

Labcorp Genetics (formerly Invitae), Labcorp
Classification: Likely benign for Emery-Dreifuss muscular dystrophy 5, autosomal dominant. Last evaluated: 2024-12-24. Review status: criteria provided, single submitter. Criteria: Invitae Variant Classification Sherloc (09022015). Collection method: clinical testing. Allele origin: germline.

Illumina Laboratory Services, Illumina
Classification: Likely benign for Emery-Dreifuss muscular dystrophy 5, autosomal dominant. Last evaluated: 2018-01-13. Review status: criteria provided, single submitter. Criteria: ICSL Variant Classification Criteria 13 December 2019. Collection method: clinical testing. Allele origin: germline.
Comment: This variant was observed in the ICSL laboratory as part of a predisposition screen in an ostensibly healthy population. It had not been previously curated by ICSL or reported in the Human Gene Mutation Database (HGMD: prior to June 1st, 2018), and was therefore a candidate for classification through an automated scoring system. Utilizing variant allele frequency, disease prevalence and penetrance estimates, and inheritance mode, an automated score was calculated to assess if this variant is too frequent to cause the disease. Based on the score and internal cut-off values, a variant classified as likely benign is not then subjected to further curation. The score for this variant resulted in a classification of likely benign for this disease.